The following is an entry in ClinVar:

ClinVar aggregate classification (germline): Uncertain significance. Review status: criteria provided, multiple submitters, no conflicts (2 of 4 stars). 2 submissions from 2 submitters: Uncertain significance (2). Last evaluated 2024-05-01.

Conditions:
Hereditary sensory and autonomic neuropathy with spastic paraplegia (HSNSP). Identifiers: Orphanet 139578, MedGen C1850395, MONDO:0009748, OMIM 256840.

Allele frequency attached by ClinVar (database versions not stated): gnomAD 0.00001; TOPMed 0.00005; ExAC 0.00011.
gnomAD v4.1: 17 of 1,614,042 alleles (0.0011%); highest among the groups gnomAD compares: East Asian, 0.038%; no homozygotes.

Submissions (2):

Labcorp Genetics (formerly Invitae), Labcorp
Classification: Uncertain significance for Hereditary sensory and autonomic neuropathy with spastic paraplegia. Last evaluated: 2024-05-01. Review status: criteria provided, single submitter. Criteria: Invitae Variant Classification Sherloc (09022015). Collection method: clinical testing. Allele origin: germline.
Comment: This sequence change replaces glutamine, which is neutral and polar, with histidine, which is basic and polar, at codon 481 of the CCT5 protein (p.Gln481His). This variant is present in population databases (rs766425367, gnomAD 0.1%), and has an allele count higher than expected for a pathogenic variant. This variant has not been reported in the literature in individuals affected with CCT5-related conditions. ClinVar contains an entry for this variant (Variation ID: 838118). Experimental studies and prediction algorithms are not available or were not evaluated, and the functional significance of this variant is currently unknown. In summary, the available evidence is currently insufficient to determine the role of this variant in disease. Therefore, it has been classified as a Variant of Uncertain Significance.

Ambry Genetics
Classification: Uncertain significance. Last evaluated: 2024-01-22. Review status: criteria provided, single submitter. Criteria: Ambry Variant Classification Scheme 2023. Collection method: clinical testing. Allele origin: germline.

NM_012073.5(CCT5):c.1443G>C (p.Gln481His)

Gene: CCT5 (chaperonin containing TCP1 subunit 5; plus strand). Cytogenetic location: 5p15.2.
Variant type: single nucleotide variant.
Coding change: c.1443G>C on transcript NM_012073.5 (MANE Select); coding-DNA position 1443, G replaced by C.
Protein change: p.Gln481His; replaces glutamine 481 with histidine.
Molecular consequence: missense variant.
Genome position (GRCh38, 1-based): chr5:10,263,259, G>C. VCF-style: chr5-10263259-G-C. GRCh37 (hg19) VCF-style: chr5-10263371-G-C.
Other names: c.1380G>C, p.Gln460His (NM_001306153.1); c.1278G>C, p.Gln426His (NM_001306154.2); c.1164G>C, p.Gln388His (NM_001306155.2); c.1329G>C, p.Gln443His (NM_001306156.2); short protein forms Q388H, Q443H, Q460H, Q426H, Q481H.
Identifiers: ClinVar variation 838118 (VCV000838118.10), dbSNP rs766425367, ClinGen allele CA3198370.